The following is an entry in ClinVar:

NM_000038.6(APC):c.3163ATA[1] (p.Ile1056del)

Gene: APC (APC regulator of Wnt signaling pathway; plus strand). Cytogenetic location: 5q22.2.
Variant type: Microsatellite.
Coding change: c.3163ATA[1] on transcript NM_000038.6 (MANE Select); one copy of the 3-base unit ATA starting at c.3163; the reference has two copies in a row; one copy, 3 bases deleted.
Protein change: p.Ile1056del; deletes isoleucine 1056.
Molecular consequence: inframe deletion. On other transcripts: inframe indel (20).
Genome position (GRCh38, 1-based): chr5:112,838,760-112,838,762, ATA deleted; deleting any 3 consecutive bases within chr5:112,838,757-112,838,762 gives the same sequence; the position shown is the placement nearest the transcript's 3' end. VCF-style (leftmost placement, unchanged base first): chr5-112838756-CATA-C. GRCh37 (hg19) VCF-style: chr5-112174453-CATA-C.
Other names: c.3163ATA[1], p.Ile1056del (NM_001127510.3, NM_001354895.2); c.3109ATA[1], p.Ile1038del (NM_001127511.3); c.3217ATA[1], p.Ile1074del (NM_001354896.2); c.3193ATA[1], p.Ile1066del (NM_001354897.2); c.3088ATA[1], p.Ile1031del (NM_001354898.2); c.3079ATA[1], p.Ile1028del (NM_001354899.2); c.3040ATA[1], p.Ile1015del (NM_001354900.2); c.2986ATA[1], p.Ile997del (NM_001354901.2); and 16 more; short protein forms I1038del, I1046del, I1066del, I1084del, I896del, I955del, I1015del, I1031del.
Identifiers: ClinVar variation 2010742 (VCV002010742.4), dbSNP rs1554084772, ClinGen allele CA2580612773.

ClinVar aggregate classification (germline): Uncertain significance (1 of 4 stars; one submission).

Conditions:
Familial adenomatous polyposis 1 (FAP1). Also called: FAMILIAL ADENOMATOUS POLYPOSIS 1, ATTENUATED; POLYPOSIS, ADENOMATOUS INTESTINAL. Identifiers: MedGen C2713442, MONDO:0021056, OMIM 175100. Disease mechanism: loss of function.

Submission:

Labcorp Genetics (formerly Invitae), Labcorp
Classification: Uncertain significance for Familial adenomatous polyposis 1. Last evaluated: 2022-06-26. Review status: criteria provided, single submitter. Criteria: Invitae Variant Classification Sherloc (09022015). Collection method: clinical testing. Allele origin: germline.
Comment: This variant, c.3166_3168del, results in the deletion of 1 amino acid(s) of the APC protein (p.Ile1056del), but otherwise preserves the integrity of the reading frame. This variant is not present in population databases (gnomAD no frequency). This variant has not been reported in the literature in individuals affected with APC-related conditions. Experimental studies and prediction algorithms are not available or were not evaluated, and the functional significance of this variant is currently unknown. In summary, the available evidence is currently insufficient to determine the role of this variant in disease. Therefore, it has been classified as a Variant of Uncertain Significance.